The following is an entry in ClinVar:

ClinVar aggregate classification (germline): Pathogenic/Likely pathogenic. Review status: no assertion criteria provided (0 of 4 stars). 4 submissions from 4 submitters: Pathogenic (3); Likely pathogenic (1). Last evaluated 2022-06-01.

Conditions:
Hereditary spastic paraplegia 54. Also called: Spastic paraplegia 54, autosomal recessive. Identifiers: Orphanet 320380, MedGen C3539495, MONDO:0014018, OMIM 615033.

Allele frequency attached by ClinVar (database versions not stated): gnomAD exomes below 0.00001; gnomAD 0.00001; TOPMed 0.00001.

Submissions (4):

Solve-RD Consortium
Classification: Likely pathogenic for Hereditary spastic paraplegia 54. Last evaluated: 2022-06-01. Review status: no assertion criteria provided. Collection method: provider interpretation. Allele origin: inherited. Affected: yes.
Comment: Variant confirmed as disease-causing by referring clinical team

Variant identified during reanalysis of unsolved cases by the Solve-RD project. The Solve-RD project has received funding from the European Union’s Horizon 2020 research and innovation programme under grant agreement No 779257.

OMIM
Classification: Pathogenic for SPASTIC PARAPLEGIA 54, AUTOSOMAL RECESSIVE. Last evaluated: 2014-01-31. Review status: no assertion criteria provided. Collection method: literature only. Allele origin: germline.

Diagnostic Laboratory, Department of Genetics, University Medical Center Groningen
Classification: Pathogenic. Review status: no assertion criteria provided. Collection method: clinical testing. Allele origin: germline. Affected: yes. Study: VKGL Data-share Consensus.

Joint Genome Diagnostic Labs from Nijmegen and Maastricht, Radboudumc and MUMC+
Classification: Pathogenic. Review status: no assertion criteria provided. Collection method: clinical testing. Allele origin: germline. Affected: yes. Study: VKGL Data-share Consensus.

Literature cited by the submitters: PubMed 39825153 (cited by Solve-RD Consortium); PubMed 23176823 (cited by OMIM); PubMed 23486545 (cited by OMIM); PubMed 24482476 (cited by OMIM).

NM_015214.3(DDHD2):c.859C>T (p.Arg287Ter)

Gene: DDHD2 (DDHD domain containing 2; plus strand). Cytogenetic location: 8p11.23.
Variant type: single nucleotide variant.
Coding change: c.859C>T on transcript NM_015214.3 (MANE Select); coding-DNA position 859, C replaced by T.
Protein change: p.Arg287Ter; replaces arginine 287 with a stop codon.
Molecular consequence: nonsense. On other transcripts: non-coding transcript variant (2).
Genome position (GRCh38, 1-based): chr8:38,245,752, C>T. VCF-style: chr8-38245752-C-T. GRCh37 (hg19) VCF-style: chr8-38103270-C-T.
Other names: c.859C>T, p.Arg287Ter (NM_001164232.2, NM_001362911.2, NM_001362912.2 and 1 more transcripts); c.769C>T, p.Arg257Ter (NM_001362913.2); short protein forms R287*, R257*.
Identifiers: ClinVar variation 39681 (VCV000039681.7), dbSNP rs398122826, ClinGen allele CA130453.
Genomic context (GRCh38, chr8:38,245,752, plus strand): 5'-CTATTAAGTGTATTTAGGTTTCCTGCTTATATTATTTTTCCTTTTTTCAGAGATCTGCAG[C>T]GAATAACCCTGCCCAGCATTAACCGCCTCAGGCACTTCACCAATGACACAATTCTGGATG-3'